The following is an entry in ClinVar:

ClinVar aggregate classification (germline): Uncertain significance (1 of 4 stars; one submission).

gnomAD v4.1: 10 of 1,612,698 alleles (0.00062%); highest among the groups gnomAD compares: Admixed American, 0.0084%; no homozygotes.

Submission:

Labcorp Genetics (formerly Invitae), Labcorp
Classification: Uncertain significance. Last evaluated: 2025-08-31. Review status: criteria provided, single submitter. Criteria: Invitae Variant Classification Sherloc (09022015). Collection method: clinical testing. Allele origin: germline.
Comment: This sequence change replaces alanine, which is neutral and non-polar, with threonine, which is neutral and polar, at codon 1790 of the ASPM protein (p.Ala1790Thr). This variant is present in population databases (rs754999927, gnomAD 0.01%). This variant has not been reported in the literature in individuals affected with ASPM-related conditions. Invitae Evidence Modeling of protein sequence and biophysical properties (such as structural, functional, and spatial information, amino acid conservation, physicochemical variation, residue mobility, and thermodynamic stability) has been performed for this missense variant. However, the output from this modeling did not meet the statistical confidence thresholds required to predict the impact of this variant on ASPM protein function. In summary, the available evidence is currently insufficient to determine the role of this variant in disease. Therefore, it has been classified as a Variant of Uncertain Significance.

NM_018136.5(ASPM):c.5368G>A (p.Ala1790Thr)

Gene: ASPM (assembly factor for spindle microtubules; minus strand). Cytogenetic location: 1q31.3.
Variant type: single nucleotide variant.
Coding change: c.5368G>A on transcript NM_018136.5 (MANE Select); coding-DNA position 5368, G replaced by A.
Protein change: p.Ala1790Thr; replaces alanine 1790 with threonine.
Molecular consequence: missense variant. On other transcripts: intron variant (1).
Genome position (GRCh38, 1-based): chr1:197,103,883, C>T on the plus strand (G>A on the coding strand, the complement: ASPM is on the minus strand). VCF-style: chr1-197103883-C-T. GRCh37 (hg19) VCF-style: chr1-197073013-C-T.
Other names: c.4066-7719G>A (NM_001206846.2); short protein forms A1790T.
Identifiers: ClinVar variation 4703979 (VCV004703979.1).